The following is an entry in ClinVar:

ClinVar aggregate classification (germline): Pathogenic (1 of 4 stars; one submission).

Conditions:
GRN-related frontotemporal lobar degeneration with Tdp43 inclusions (FTD2). Also called: DEMENTIA, HEREDITARY DYSPHASIC DISINHIBITION; FRONTOTEMPORAL LOBAR DEGENERATION WITH UBIQUITIN-POSITIVE INCLUSIONS; FTLD-TDP, GRN-RELATED; GRN Frontotemporal Dementia; FRONTOTEMPORAL DEMENTIA WITH TDP43 INCLUSIONS, GRN-RELATED. Identifiers: Orphanet 100070, Orphanet 282, MedGen C1843792, MONDO:0011842, OMIM 607485. Disease mechanism: loss of function.
Neuronal ceroid lipofuscinosis 11. Also called: GRN-Related Neuronal Ceroid-Lipofuscinosis. Identifiers: Orphanet 314629, Orphanet 79262, MedGen C3539123, MONDO:0013866, OMIM 614706.

Submission:

Labcorp Genetics (formerly Invitae), Labcorp
Classification: Pathogenic for Neuronal ceroid lipofuscinosis 11; GRN-related frontotemporal lobar degeneration with Tdp43 inclusions. Last evaluated: 2021-09-22. Review status: criteria provided, single submitter. Criteria: Invitae Variant Classification Sherloc (09022015). Collection method: clinical testing. Allele origin: germline.
Comment: For these reasons, this variant has been classified as Pathogenic. This variant has not been reported in the literature in individuals affected with GRN-related conditions. This variant is a gross deletion of the genomic region encompassing exon(s) 2-12 of the GRN gene, which includes the initiator codon. This deletion extends beyond the assayed region for this gene and therefore may encompass additional genes. It is expected to result in an absent or disrupted protein product. Loss-of-function variants in GRN are known to be pathogenic (PMID: 16862116, 16950801, 22608501).

Literature cited by the submitters: PubMed 16862116; PubMed 16950801; PubMed 22608501.

NC_000017.10:g.(?_42426434)_(42430018_?)del

Gene: GRN (granulin precursor; plus strand). Cytogenetic location: 17q21.31.
Variant type: Deletion.
Identifiers: ClinVar variation 1458018 (VCV001458018.4).